The following is an entry in ClinVar:

ClinVar aggregate classification (germline): Uncertain significance (1 of 4 stars; one submission).

gnomAD v4.1: 3 of 1,614,232 alleles (0.00019%); highest among the groups gnomAD compares: Non-Finnish European, 0.00017%; no homozygotes.

Submission:

Labcorp Genetics (formerly Invitae), Labcorp
Classification: Uncertain significance. Last evaluated: 2022-08-23. Review status: criteria provided, single submitter. Criteria: Invitae Variant Classification Sherloc (09022015). Collection method: clinical testing. Allele origin: germline.
Comment: In summary, the available evidence is currently insufficient to determine the role of this variant in disease. Therefore, it has been classified as a Variant of Uncertain Significance. Experimental studies and prediction algorithms are not available or were not evaluated, and the functional significance of this variant is currently unknown. This variant has not been reported in the literature in individuals affected with AIMP2-related conditions. This variant is not present in population databases (gnomAD no frequency). This sequence change creates a premature translational stop signal (p.Trp268*) in the AIMP2 gene. While this is not anticipated to result in nonsense mediated decay, it is expected to disrupt the last 53 amino acid(s) of the AIMP2 protein.

NM_006303.4(AIMP2):c.803G>A (p.Trp268Ter)

Genes: AIMP2 (aminoacyl tRNA synthetase complex interacting multifunctional protein 2; plus strand), EIF2AK1 (eukaryotic translation initiation factor 2 alpha kinase 1; minus strand). Cytogenetic location: 7p22.1.
Variant type: single nucleotide variant.
Coding change: c.803G>A on transcript NM_006303.4 (MANE Select); coding-DNA position 803, G replaced by A.
Protein change: p.Trp268Ter; replaces tryptophan 268 with a stop codon.
Molecular consequence: nonsense. On other transcripts: 3 prime UTR variant (2).
Genome position (GRCh38, 1-based): chr7:6,023,531, G>A. VCF-style: chr7-6023531-G-A. GRCh37 (hg19) VCF-style: chr7-6063162-G-A.
Other names: c.*1142C>T (NM_001134335.2, NM_014413.4); c.683G>A, p.Trp228Ter (NM_001326606.2); c.596G>A, p.Trp199Ter (NM_001326607.2); c.569G>A, p.Trp190Ter (NM_001326609.2, NM_001326610.2, NM_001326611.3); c.716G>A, p.Trp239Ter (NM_001362785.2); c.671G>A, p.Trp224Ter (NM_001362787.2); short protein forms W224*, W239*, W268*, W228*, W190*, W199*.
Identifiers: ClinVar variation 1903979 (VCV001903979.5), dbSNP rs997976538, ClinGen allele CA366748137.